The following is an entry in ClinVar:

ClinVar aggregate classification (germline): Uncertain significance. Review status: criteria provided, multiple submitters, no conflicts (2 of 4 stars). 2 submissions from 2 submitters: Uncertain significance (2). Last evaluated 2025-08-11.

Conditions:
PLXNA1-related disorder. Also called: PLXNA1-related condition.

Submissions (2):

Ambry Genetics
Classification: Uncertain significance. Last evaluated: 2025-08-11. Review status: criteria provided, single submitter. Criteria: Ambry Variant Classification Scheme 2023. Collection method: clinical testing. Allele origin: germline.

PreventionGenetics, part of Exact Sciences
Classification: Uncertain significance for PLXNA1-related condition. Last evaluated: 2025-02-07. Review status: criteria provided, single submitter. Criteria: ACMG Guidelines, 2015. Collection method: clinical testing. Allele origin: germline.
Comment: The PLXNA1 c.1501G>A variant is predicted to result in the amino acid substitution p.Ala501Thr. To our knowledge, this variant has not been reported in the literature. This variant is reported in 0.0062% of alleles in individuals of African descent in gnomAD. At this time, the clinical significance of this variant is uncertain due to the absence of conclusive functional and genetic evidence.

NM_032242.4(PLXNA1):c.1501G>A (p.Ala501Thr)

Gene: PLXNA1 (plexin A1; plus strand). Cytogenetic location: 3q21.3.
Variant type: single nucleotide variant.
Coding change: c.1501G>A on transcript NM_032242.4 (MANE Select); coding-DNA position 1501, G replaced by A.
Protein change: p.Ala501Thr; replaces alanine 501 with threonine.
Molecular consequence: missense variant.
Genome position (GRCh38, 1-based): chr3:127,003,453, G>A. VCF-style: chr3-127003453-G-A. GRCh37 (hg19) VCF-style: chr3-126722296-G-A.
Other names: short protein forms A501T.
Identifiers: ClinVar variation 4140062 (VCV004140062.2).
Genomic context (GRCh38, chr3:127,003,453, plus strand): 5'-CAGGAGGGCAGCCCCATCCTGCGAGACCTCGTCCTCAGCCCCAACCACCAGTACCTCTAC[G>A]CCATGACCGAGAAGCAGGTGGGTGCTGCACCAGTCAGACGGTGTGGCTGAAGGTGGGGGC-3'
Protein context (NP_115618.3, residues 491-511): VLSPNHQYLY[Ala501Thr]MTEKQVTRVP